The following is an entry in ClinVar:

NM_001128228.3(TPRN):c.547C>T (p.Arg183Cys)

Gene: TPRN (taperin; minus strand). Cytogenetic location: 9q34.3.
Variant type: single nucleotide variant.
Coding change: c.547C>T on transcript NM_001128228.3 (MANE Select); coding-DNA position 547, C replaced by T.
Protein change: p.Arg183Cys; replaces arginine 183 with cysteine.
Molecular consequence: missense variant.
Genome position (GRCh38, 1-based): chr9:137,200,165, G>A on the plus strand (C>T on the coding strand, the complement: TPRN is on the minus strand). VCF-style: chr9-137200165-G-A. GRCh37 (hg19) VCF-style: chr9-140094617-G-A.
Other names: short protein forms R183C.
Identifiers: ClinVar variation 3602469 (VCV003602469.1).

ClinVar aggregate classification (germline): Uncertain significance (1 of 4 stars; one submission).

Submission:

GeneDx
Classification: Uncertain significance. Last evaluated: 2024-08-02. Review status: criteria provided, single submitter. Criteria: GeneDx Variant Classification Process June 2021. Collection method: clinical testing. Allele origin: germline. Affected: yes.
Comment: Not observed at significant frequency in large population cohorts (gnomAD); In silico analysis indicates that this missense variant does not alter protein structure/function; Has not been previously published as pathogenic or benign to our knowledge